The following is an entry in ClinVar:

NM_015295.3(SMCHD1):c.2359A>G (p.Asn787Asp)

Gene: SMCHD1 (structural maintenance of chromosomes flexible hinge domain containing 1; plus strand). Cytogenetic location: 18p11.32.
Variant type: single nucleotide variant.
Coding change: c.2359A>G on transcript NM_015295.3 (MANE Select); coding-DNA position 2359, A replaced by G.
Protein change: p.Asn787Asp; replaces asparagine 787 with aspartic acid.
Molecular consequence: missense variant.
Genome position (GRCh38, 1-based): chr18:2,718,335, A>G. VCF-style: chr18-2718335-A-G. GRCh37 (hg19) VCF-style: chr18-2718333-A-G.
Other names: short protein forms N787D.
Identifiers: ClinVar variation 2786679 (VCV002786679.3), dbSNP rs2510062138, ClinGen allele CA401681200.
Genomic context (GRCh38, chr18:2,718,335, plus strand): 5'-TGTGTTGACTTGATTTTTAATTTCTTCTTAATTTATCCAGAAAATATTCAGAAGTTGGGG[A>G]ATTATACCTTGAAATTACAAGTTGTGTTGAATGAAAGTAATGCAGACACTTATGCAGGAA-3'
Protein context (NP_056110.2, residues 777-797): KKMENIQKLG[Asn787Asp]YTLKLQVVLN

ClinVar aggregate classification (germline): Uncertain significance (1 of 4 stars; one submission).

Conditions:
Facioscapulohumeral muscular dystrophy 2 (FSHD2). Also called: FACIOSCAPULOHUMERAL MUSCULAR DYSTROPHY 2, DIGENIC; FSHD2, DIGENIC; MUSCULAR DYSTROPHY, FACIOSCAPULOHUMERAL, TYPE 1B. Identifiers: Orphanet 269, MedGen C1834671, MONDO:0008031, OMIM 158901.

gnomAD v4.1: 7 of 1,611,296 alleles (0.00043%); highest among the groups gnomAD compares: Non-Finnish European, 0.00059%; no homozygotes.

Submission:

Labcorp Genetics (formerly Invitae), Labcorp
Classification: Uncertain significance for Facioscapulohumeral muscular dystrophy 2. Last evaluated: 2023-12-14. Review status: criteria provided, single submitter. Criteria: Invitae Variant Classification Sherloc (09022015). Collection method: clinical testing. Allele origin: germline.
Comment: This sequence change replaces asparagine, which is neutral and polar, with aspartic acid, which is acidic and polar, at codon 787 of the SMCHD1 protein (p.Asn787Asp). This variant is not present in population databases (gnomAD no frequency). This variant has not been reported in the literature in individuals affected with SMCHD1-related conditions. Advanced modeling of protein sequence and biophysical properties (such as structural, functional, and spatial information, amino acid conservation, physicochemical variation, residue mobility, and thermodynamic stability) performed at Invitae indicates that this missense variant is not expected to disrupt SMCHD1 protein function with a negative predictive value of 80%. In summary, the available evidence is currently insufficient to determine the role of this variant in disease. Therefore, it has been classified as a Variant of Uncertain Significance.